The following is an entry in ClinVar:

ClinVar aggregate classification (germline): Uncertain significance (1 of 4 stars; one submission).

gnomAD v4.1: 6 of 1,462,868 alleles (0.00041%); highest among the groups gnomAD compares: African/African-American, 0.0083%; no homozygotes.

Submission:

Ambry Genetics
Classification: Uncertain significance. Last evaluated: 2026-02-17. Review status: criteria provided, single submitter. Criteria: Ambry Variant Classification Scheme 2023. Collection method: clinical testing. Allele origin: germline.
Comment: The c.121C>T (p.L41F) alteration is located in exon 1 (coding exon 1) of the OR4S2 gene. This alteration results from a C to T substitution at nucleotide position 121, causing the leucine (L) at amino acid position 41 to be replaced by a phenylalanine (F). Based on data from gnomAD, the T allele has an overall frequency of <0.001% (1/228452) total alleles studied. The highest observed frequency was 0.006% (1/16014) of African alleles. Based on insufficient or conflicting evidence, the clinical significance of this alteration remains unclear.

NM_001004059.3(OR4S2):c.121C>T (p.Leu41Phe)

Gene: OR4S2 (olfactory receptor family 4 subfamily S member 2; plus strand). Cytogenetic location: 11q11.
Variant type: single nucleotide variant.
Coding change: c.121C>T on transcript NM_001004059.3 (MANE Select); coding-DNA position 121, C replaced by T.
Protein change: p.Leu41Phe; replaces leucine 41 with phenylalanine.
Molecular consequence: missense variant.
Genome position (GRCh38, 1-based): chr11:55,651,024, C>T. VCF-style: chr11-55651024-C-T. GRCh37 (hg19) VCF-style: chr11-55418500-C-T.
Other names: short protein forms L41F.
Identifiers: ClinVar variation 4830053 (VCV004830053.1).
Genomic context (GRCh38, chr11:55,651,024, plus strand): 5'-ATTGAGAAAGTTTGTTTTGTGGTGTTTTCTTTCTTCTACATAATCATTCTTCTGGGAAAT[C>T]TCCTCATCATGCTGACAGTTTGCCTGAGCAACCTGTTTAAGTCACCCATGTATTTCTTTC-3'
Protein context (NP_001004059.2, residues 31-51): FFYIIILLGN[Leu41Phe]LIMLTVCLSN